The following is an entry in ClinVar:

ClinVar aggregate classification (germline): Benign/Likely benign. Review status: criteria provided, multiple submitters, no conflicts (2 of 4 stars). 5 submissions from 5 submitters: Benign (3); Likely benign (1). 1 of the submissions does not count toward it. Last evaluated 2025-12-19.

Conditions:
KBG syndrome (KBGS). Also called: ANKRD11-Related KBG Syndrome. Identifiers: Orphanet 2332, MedGen C0220687, MONDO:0007846, OMIM 148050.
ANKRD11-related disorder. Also called: ANKRD11-related condition.

Allele frequency attached by ClinVar (database versions not stated): gnomAD exomes 0.00007 and 0.00020; ExAC 0.00027; gnomAD 0.00056 and 0.00058; TOPMed 0.00075; ESP Exome Variant Server 0.00092; 1000 Genomes Project 0.00140; 1000 Genomes Project 30x 0.00141.
gnomAD v4.1: 196 of 1,612,908 alleles (0.012%); highest among the groups gnomAD compares: African/African-American, 0.21%; no homozygotes.

Submissions (5):

Labcorp Genetics (formerly Invitae), Labcorp
Classification: Benign for KBG syndrome. Last evaluated: 2025-12-19. Review status: criteria provided, single submitter. Criteria: Invitae Variant Classification Sherloc (09022015). Collection method: clinical testing. Allele origin: germline.

Blueprint Genetics
Classification: Likely benign. Last evaluated: 2024-10-07. Review status: criteria provided, single submitter. Criteria: ACMG Guidelines, 2015. Collection method: clinical testing. Allele origin: germline.

Genome-Nilou Lab
Classification: Benign for KBG syndrome. Last evaluated: 2021-12-05. Review status: criteria provided, single submitter. Criteria: ACMG Guidelines, 2015. Collection method: clinical testing. Allele origin: germline. Affected: no.

GeneDx
Classification: Benign. Last evaluated: 2020-12-07. Review status: criteria provided, single submitter. Criteria: GeneDx Variant Classification Process June 2021. Collection method: clinical testing. Allele origin: germline. Affected: yes.

PreventionGenetics, part of Exact Sciences
Classification: Likely benign for ANKRD11-related condition. Last evaluated: 2024-09-04. Review status: no assertion criteria provided. Collection method: clinical testing. Allele origin: germline. Not counted in ClinVar's aggregate classification.
Comment: This variant is classified as likely benign based on ACMG/AMP sequence variant interpretation guidelines (Richards et al. 2015 PMID: 25741868, with internal and published modifications).

NM_013275.6(ANKRD11):c.227-10C>T

Gene: ANKRD11 (ankyrin repeat domain 11; minus strand). Cytogenetic location: 16q24.3.
Variant type: single nucleotide variant.
Coding change: c.227-10C>T on transcript NM_013275.6 (MANE Select); 10 bases into the intron before coding-DNA position 227, C replaced by T.
Molecular consequence: intron variant.
Genome position (GRCh38, 1-based): chr16:89,291,193, G>A on the plus strand (C>T on the coding strand, the complement: ANKRD11 is on the minus strand). VCF-style: chr16-89291193-G-A. GRCh37 (hg19) VCF-style: chr16-89357601-G-A.
Other names: c.227-10C>T (NM_001256183.2, NM_001256182.2).
Identifiers: ClinVar variation 715072 (VCV000715072.13), dbSNP rs201226457, ClinGen allele CA8243142.